The following is an entry in ClinVar:

ClinVar aggregate classification (germline): Uncertain significance (1 of 4 stars; one submission).

Conditions:
Birt-Hogg-Dube syndrome. Also called: Birt Hogg Dubé syndrome. Identifiers: Orphanet 122, MedGen C0346010, MONDO:0800444.

Submission:

Labcorp Genetics (formerly Invitae), Labcorp
Classification: Uncertain significance for Birt-Hogg-Dube syndrome. Last evaluated: 2024-10-10. Review status: criteria provided, single submitter. Criteria: Invitae Variant Classification Sherloc (09022015). Collection method: clinical testing. Allele origin: germline.
Comment: This sequence change falls in intron 12 of the FLCN gene. It does not directly change the encoded amino acid sequence of the FLCN protein. It affects a nucleotide within the consensus splice site. This variant is not present in population databases (gnomAD no frequency). This variant has not been reported in the literature in individuals affected with FLCN-related conditions. Variants that disrupt the consensus splice site are a relatively common cause of aberrant splicing (PMID: 17576681, 9536098). Algorithms developed to predict the effect of sequence changes on RNA splicing suggest that this variant is not likely to affect RNA splicing. In summary, the available evidence is currently insufficient to determine the role of this variant in disease. Therefore, it has been classified as a Variant of Uncertain Significance.

Literature cited by the submitters: PubMed 17576681; PubMed 9536098.

NM_144997.7(FLCN):c.1432+3G>C

Gene: FLCN (folliculin; minus strand). Cytogenetic location: 17p11.2.
Variant type: single nucleotide variant.
Coding change: c.1432+3G>C on transcript NM_144997.7 (MANE Select); 3 bases into the intron after coding-DNA position 1432, G replaced by C.
Molecular consequence: intron variant.
Genome position (GRCh38, 1-based): chr17:17,215,182, C>G on the plus strand (G>C on the coding strand, the complement: FLCN is on the minus strand). VCF-style: chr17-17215182-C-G. GRCh37 (hg19) VCF-style: chr17-17118496-C-G.
Other names: c.1432+3G>C (NM_001353231.2, NM_001353230.2); c.1486+3G>C (NM_001353229.2).
Identifiers: ClinVar variation 2833396 (VCV002833396.3), dbSNP rs752730139, ClinGen allele CA2636347688.